The following is an entry in ClinVar:

NM_006031.6(PCNT):c.6408G>C (p.Gly2136=)

Gene: PCNT (pericentrin; plus strand). Cytogenetic location: 21q22.3.
Variant type: single nucleotide variant.
Coding change: c.6408G>C on transcript NM_006031.6 (MANE Select); coding-DNA position 6408, G replaced by C.
Protein change: p.Gly2136=; no amino-acid change (glycine 2136 retained).
Molecular consequence: synonymous variant.
Genome position (GRCh38, 1-based): chr21:46,416,326, G>C. VCF-style: chr21-46416326-G-C. GRCh37 (hg19) VCF-style: chr21-47836240-G-C.
Other names: c.6054G>C, p.Gly2018= (NM_001315529.2); c.6408G>C (NM_006031.5).
Identifiers: ClinVar variation 1570097 (VCV001570097.9), dbSNP rs141594796, ClinGen allele CA10080323.

ClinVar aggregate classification (germline): Likely benign. Review status: criteria provided, single submitter (1 of 4 stars). 2 submissions from 2 submitters: Likely benign (1). 1 of the submissions does not count toward it. Last evaluated 2026-01-12.

Conditions:
PCNT-related disorder. Also called: PCNT-related condition.

Allele frequency attached by ClinVar (database versions not stated): gnomAD exomes 0.00001 and 0.00002; ExAC 0.00002; gnomAD 0.00004 and 0.00005; ESP Exome Variant Server 0.00008.
gnomAD v4.1: 23 of 1,613,778 alleles (0.0014%); highest among the groups gnomAD compares: African/African-American, 0.021%; no homozygotes.

Submissions (2):

Labcorp Genetics (formerly Invitae), Labcorp
Classification: Likely benign. Last evaluated: 2026-01-12. Review status: criteria provided, single submitter. Criteria: Invitae Variant Classification Sherloc (09022015). Collection method: clinical testing. Allele origin: germline.

PreventionGenetics, part of Exact Sciences
Classification: Likely benign for PCNT-related condition. Last evaluated: 2021-10-04. Review status: no assertion criteria provided. Collection method: clinical testing. Allele origin: germline. Not counted in ClinVar's aggregate classification.
Comment: This variant is classified as likely benign based on ACMG/AMP sequence variant interpretation guidelines (Richards et al. 2015 PMID: 25741868, with internal and published modifications).